The following is an entry in ClinVar:

NM_133433.4(NIPBL):c.2290A>C (p.Asn764His)

Gene: NIPBL (NIPBL cohesin loading factor; plus strand). Cytogenetic location: 5p13.2.
Variant type: single nucleotide variant.
Coding change: c.2290A>C on transcript NM_133433.4 (MANE Select); coding-DNA position 2290, A replaced by C.
Protein change: p.Asn764His; replaces asparagine 764 with histidine.
Molecular consequence: missense variant.
Genome position (GRCh38, 1-based): chr5:36,985,470, A>C. VCF-style: chr5-36985470-A-C. GRCh37 (hg19) VCF-style: chr5-36985572-A-C.
Other names: c.2290A>C, p.Asn764His (NM_015384.5); short protein forms N764H.
Identifiers: ClinVar variation 2628396 (VCV002628396.1), dbSNP rs773366068, ClinGen allele CA3236149.

ClinVar aggregate classification (germline): Uncertain significance (1 of 4 stars; one submission).

Conditions:
NIPBL-related disorder. Also called: NIPBL-related condition.

Allele frequency attached by ClinVar (database versions not stated): gnomAD 0.00001.
gnomAD v4.1: 6 of 1,613,494 alleles (0.00037%); highest among the groups gnomAD compares: South Asian, 0.0055%; no homozygotes.

Submission:

PreventionGenetics, part of Exact Sciences
Classification: Uncertain significance for NIPBL-related condition. Last evaluated: 2022-09-13. Review status: criteria provided, single submitter. Criteria: ACMG Guidelines, 2015. Collection method: clinical testing. Allele origin: germline.
Comment: The NIPBL c.2290A>C variant is predicted to result in the amino acid substitution p.Asn764His. To our knowledge, this variant has not been reported in the literature. This variant is reported in 0.0033% of alleles in individuals of South Asian descent in gnomAD. At this time, the clinical significance of this variant is uncertain due to the absence of conclusive functional and genetic evidence.